The following is an entry in ClinVar:

ClinVar aggregate classification (germline): Uncertain significance. Review status: criteria provided, multiple submitters, no conflicts (2 of 4 stars). 3 submissions from 3 submitters: Uncertain significance (3). Last evaluated 2025-12-22.

Conditions:
Inborn genetic diseases. Identifiers: MedGen C0950123, MeSH D030342.
X-linked distal spinal muscular atrophy type 3. Also called: SPINAL MUSCULAR ATROPHY, DISTAL, X-LINKED RECESSIVE; NEURONOPATHY, DISTAL HEREDITARY MOTOR, X-LINKED; NEUROPATHY, DISTAL HEREDITARY MOTOR, X-LINKED; ATP7A-Related Distal Motor Neuropathy. Identifiers: Orphanet 139557, MedGen C1845359, MONDO:0010338, OMIM 300489.
Menkes kinky-hair syndrome (MNK). Also called: Copper transport disease; Classic Menkes Disease; Menkes Disease. Identifiers: Orphanet 565, MedGen C0022716, MONDO:0010651, OMIM 309400.
Cutis laxa, X-linked (OHS). Also called: EDS IX; Occipital horn syndrome. Identifiers: Orphanet 198, MedGen C0268353, MONDO:0010572, OMIM 304150.

Allele frequency attached by ClinVar (database versions not stated): gnomAD exomes below 0.00001; TOPMed 0.00001.
gnomAD v4.1: 2 of 1,211,336 alleles (0.00017%); highest among the groups gnomAD compares: Admixed American, 0.0022%; no homozygotes.

Submissions (3):

Ambry Genetics
Classification: Uncertain significance for Inborn genetic diseases. Last evaluated: 2025-12-22. Review status: criteria provided, single submitter. Criteria: Ambry Variant Classification Scheme 2023. Collection method: clinical testing. Allele origin: germline.

Labcorp Genetics (formerly Invitae), Labcorp
Classification: Uncertain significance for X-linked distal spinal muscular atrophy type 3; Cutis laxa, X-linked; Menkes kinky-hair syndrome. Last evaluated: 2025-10-15. Review status: criteria provided, single submitter. Criteria: Invitae Variant Classification Sherloc (09022015). Collection method: clinical testing. Allele origin: germline.
Comment: This sequence change replaces serine, which is neutral and polar, with cysteine, which is neutral and slightly polar, at codon 300 of the ATP7A protein (p.Ser300Cys). This variant is not present in population databases (gnomAD no frequency). This variant has not been reported in the literature in individuals affected with ATP7A-related conditions. ClinVar contains an entry for this variant (Variation ID: 1765376). Invitae Evidence Modeling of protein sequence and biophysical properties (such as structural, functional, and spatial information, amino acid conservation, physicochemical variation, residue mobility, and thermodynamic stability) indicates that this missense variant is not expected to disrupt ATP7A protein function with a negative predictive value of 95%. In summary, the available evidence is currently insufficient to determine the role of this variant in disease. Therefore, it has been classified as a Variant of Uncertain Significance.

GeneDx
Classification: Uncertain significance. Last evaluated: 2022-07-28. Review status: criteria provided, single submitter. Criteria: GeneDx Variant Classification Process June 2021. Collection method: clinical testing. Allele origin: germline. Affected: yes.
Comment: Not observed at significant frequency in large population cohorts (gnomAD); In silico analysis supports that this missense variant has a deleterious effect on protein structure/function; Has not been previously published as pathogenic or benign to our knowledge

NM_000052.7(ATP7A):c.899C>G (p.Ser300Cys)

Gene: ATP7A (ATPase copper transporting alpha; plus strand). Cytogenetic location: Xq21.1.
Variant type: single nucleotide variant.
Coding change: c.899C>G on transcript NM_000052.7 (MANE Select); coding-DNA position 899, C replaced by G.
Protein change: p.Ser300Cys; replaces serine 300 with cysteine.
Molecular consequence: missense variant.
Genome position (GRCh38, 1-based): chrX:77,989,521, C>G. VCF-style: chrX-77989521-C-G. GRCh37 (hg19) VCF-style: chrX-77245017-C-G.
Other names: c.899C>G, p.Ser300Cys (NM_001282224.2); short protein forms S300C.
Identifiers: ClinVar variation 1765376 (VCV001765376.11), dbSNP rs2077657477, ClinGen allele CA413601372.
Genomic context (GRCh38, chrX:77,989,521, plus strand): 5'-CTTTCATCATTGATGGCATGCATTGTAAATCATGTGTGTCAAATATTGAAAGTACTTTAT[C>G]TGCACTCCAATATGTAAGCAGCATAGTAGTTTCTTTAGAGAATAGGTCTGCCATTGTGAA-3'
Protein context (NP_000043.4, residues 290-310): SCVSNIESTL[Ser300Cys]ALQYVSSIVV